The following is an entry in ClinVar:

NM_000143.4(FH):c.1253A>T (p.His418Leu)

Gene: FH (fumarate hydratase; minus strand). Cytogenetic location: 1q43.
Variant type: single nucleotide variant.
Coding change: c.1253A>T on transcript NM_000143.4 (MANE Select); coding-DNA position 1253, A replaced by T.
Protein change: p.His418Leu; replaces histidine 418 with leucine.
Molecular consequence: missense variant.
Genome position (GRCh38, 1-based): chr1:241,500,574, T>A on the plus strand (A>T on the coding strand, the complement: FH is on the minus strand). VCF-style: chr1-241500574-T-A. GRCh37 (hg19) VCF-style: chr1-241663874-T-A.
Other names: short protein forms H418L.
Identifiers: ClinVar variation 2143810 (VCV002143810.7), dbSNP rs2147913351, ClinGen allele CA345436886.

ClinVar aggregate classification (germline): Uncertain significance. Review status: criteria provided, multiple submitters, no conflicts (2 of 4 stars). 4 submissions from 4 submitters: Uncertain significance (4). Last evaluated 2025-10-13.

Conditions:
Hereditary cancer-predisposing syndrome. Also called: Neoplastic Syndromes, Hereditary; Tumor predisposition; Hereditary neoplastic syndrome; Hereditary Cancer Syndrome. Identifiers: Orphanet 140162, MedGen C0027672, MeSH D009386, MONDO:0015356.

Submissions (4):

Quest Diagnostics Nichols Institute San Juan Capistrano
Classification: Uncertain significance. Last evaluated: 2025-10-13. Review status: criteria provided, single submitter. Criteria: Quest Diagnostics criteria. Collection method: clinical testing. Allele origin: unknown.
Comment: The FH c.1253A>T (p.His418Leu) variant has not been reported in individuals with FH-related conditions in the published literature. This variant has not been reported in large, multi-ethnic general populations (Genome Aggregation Database). Analysis of this variant using bioinformatics tools for the prediction of the effect of amino acid changes on protein structure and function yielded conflicting predictions that this variant is deleterious or benign. Based on the available information, we are unable to determine the clinical significance of this variant.

Ambry Genetics
Classification: Uncertain significance for Hereditary cancer-predisposing syndrome. Last evaluated: 2024-10-24. Review status: criteria provided, single submitter. Criteria: Ambry Variant Classification Scheme 2023. Collection method: clinical testing. Allele origin: germline.
Comment: The p.H418L variant (also known as c.1253A>T), located in coding exon 9 of the FH gene, results from an A to T substitution at nucleotide position 1253. The histidine at codon 418 is replaced by leucine, an amino acid with similar properties. This amino acid position is conserved. In addition, the in silico prediction for this alteration is inconclusive. Based on the available evidence, the clinical significance of this variant remains unclear.

GeneDx
Classification: Uncertain significance. Last evaluated: 2023-05-18. Review status: criteria provided, single submitter. Criteria: GeneDx Variant Classification Process June 2021. Collection method: clinical testing. Allele origin: germline. Affected: yes.
Comment: Not observed at significant frequency in large population cohorts (gnomAD); In silico analysis supports that this missense variant has a deleterious effect on protein structure/function; Has not been previously published as pathogenic or benign to our knowledge; In silico analysis suggests this variant may impact gene splicing. In the absence of RNA/functional studies, the actual effect of this sequence change is unknown.

Labcorp Genetics (formerly Invitae), Labcorp
Classification: Uncertain significance. Last evaluated: 2022-05-20. Review status: criteria provided, single submitter. Criteria: Invitae Variant Classification Sherloc (09022015). Collection method: clinical testing. Allele origin: germline.
Comment: Algorithms developed to predict the effect of missense changes on protein structure and function (SIFT, PolyPhen-2, Align-GVGD) all suggest that this variant is likely to be tolerated. In summary, the available evidence is currently insufficient to determine the role of this variant in disease. Therefore, it has been classified as a Variant of Uncertain Significance. Algorithms developed to predict the effect of sequence changes on RNA splicing suggest that this variant may create or strengthen a splice site. This variant has not been reported in the literature in individuals affected with FH-related conditions. This variant is not present in population databases (gnomAD no frequency). This sequence change replaces histidine, which is basic and polar, with leucine, which is neutral and non-polar, at codon 418 of the FH protein (p.His418Leu).